The following is an entry in ClinVar:

NM_003742.4(ABCB11):c.2493A>G (p.Leu831=)

Gene: ABCB11 (ATP binding cassette subfamily B member 11; minus strand). Cytogenetic location: 2q31.1.
Variant type: single nucleotide variant.
Coding change: c.2493A>G on transcript NM_003742.4 (MANE Select); coding-DNA position 2493, A replaced by G.
Protein change: p.Leu831=; no amino-acid change (leucine 831 retained).
Molecular consequence: synonymous variant.
Genome position (GRCh38, 1-based): chr2:168,944,722, T>C on the plus strand (A>G on the coding strand, the complement: ABCB11 is on the minus strand). VCF-style: chr2-168944722-T-C. GRCh37 (hg19) VCF-style: chr2-169801232-T-C.
Other names: c.2493A>G (NM_003742.2).
Identifiers: ClinVar variation 1081665 (VCV001081665.10), dbSNP rs2105912479, ClinGen allele CA429985313.
Genomic context (GRCh38, chr2:168,944,722, plus strand): 5'-TCTGAGGTCATCAAACCAGGCAATATCTTGCCCCAGCATTGCCCTGAAACCAAATTTACG[T>C]AGCCTTTTTGTTAGGAGCTCCCCAGATTTAGCAAAGGCATATCCCTAAAACATGAAGAGG-3'
Protein context (NP_003733.2, residues 821-841): AKSGELLTKR[Leu831=]RKFGFRAMLG

ClinVar aggregate classification (germline): Likely benign. Review status: criteria provided, multiple submitters, no conflicts (2 of 4 stars). 2 submissions from 2 submitters: Likely benign (2). Last evaluated 2026-01-15.

Conditions:
ABCB11-related disorder. Also called: ABCB11-related condition.

Submissions (2):

PreventionGenetics, part of Exact Sciences
Classification: Likely benign for ABCB11-related condition. Last evaluated: 2026-01-15. Review status: criteria provided, single submitter. Criteria: ACMG Guidelines, 2015. Collection method: clinical testing. Allele origin: germline.
Comment: This variant is classified as likely benign based on ACMG/AMP sequence variant interpretation guidelines (Richards et al. 2015 PMID: 25741868, with internal and published modifications).

Labcorp Genetics (formerly Invitae), Labcorp
Classification: Likely benign. Last evaluated: 2019-09-17. Review status: criteria provided, single submitter. Criteria: Invitae Variant Classification Sherloc (09022015). Collection method: clinical testing. Allele origin: germline.